The following is an entry in ClinVar:

ClinVar aggregate classification (germline): Uncertain significance. Review status: criteria provided, multiple submitters, no conflicts (2 of 4 stars). 3 submissions from 3 submitters: Uncertain significance (3). Last evaluated 2025-11-15.

Conditions:
Cardiovascular phenotype. Identifiers: MedGen CN230736.
Dilated cardiomyopathy 1JJ (CMD1JJ). Identifiers: Orphanet 154, MedGen C3808935, MONDO:0014095, OMIM 615235.

Allele frequency attached by ClinVar (database versions not stated): gnomAD exomes 0.00001; ExAC 0.00002; ESP Exome Variant Server 0.00008.
gnomAD v4.1: 8 of 1,613,806 alleles (0.0005%); highest among the groups gnomAD compares: Non-Finnish European, 0.00068%; no homozygotes.

Submissions (3):

Ambry Genetics
Classification: Uncertain significance for Cardiovascular phenotype. Last evaluated: 2025-11-15. Review status: criteria provided, single submitter. Criteria: Ambry Variant Classification Scheme 2023. Collection method: clinical testing. Allele origin: germline.
Comment: The p.I815T variant (also known as c.2444T>C), located in coding exon 18 of the LAMA4 gene, results from a T to C substitution at nucleotide position 2444. The isoleucine at codon 815 is replaced by threonine, an amino acid with similar properties. This amino acid position is conserved. In addition, this alteration is predicted to be deleterious by in silico analysis. Since supporting evidence is limited at this time, the clinical significance of this alteration remains unclear.

Labcorp Genetics (formerly Invitae), Labcorp
Classification: Uncertain significance for Dilated cardiomyopathy 1JJ. Last evaluated: 2023-11-27. Review status: criteria provided, single submitter. Criteria: Invitae Variant Classification Sherloc (09022015). Collection method: clinical testing. Allele origin: germline.
Comment: This sequence change replaces isoleucine, which is neutral and non-polar, with threonine, which is neutral and polar, at codon 815 of the LAMA4 protein (p.Ile815Thr). This variant is present in population databases (rs369962703, gnomAD 0.002%). This variant has not been reported in the literature in individuals affected with LAMA4-related conditions. ClinVar contains an entry for this variant (Variation ID: 1678012). An algorithm developed to predict the effect of missense changes on protein structure and function (PolyPhen-2) suggests that this variant is likely to be disruptive. In summary, the available evidence is currently insufficient to determine the role of this variant in disease. Therefore, it has been classified as a Variant of Uncertain Significance.

AiLife Diagnostics
Classification: Uncertain significance. Last evaluated: 2022-03-07. Review status: criteria provided, single submitter. Criteria: ACMG Guidelines, 2015. Collection method: clinical testing. Allele origin: germline. Affected: yes. Observed: 1 variant allele.

NM_001105206.3(LAMA4):c.2465T>C (p.Ile822Thr)

Gene: LAMA4 (laminin subunit alpha 4; minus strand). Cytogenetic location: 6q21.
Variant type: single nucleotide variant.
Coding change: c.2465T>C on transcript NM_001105206.3 (MANE Select); coding-DNA position 2465, T replaced by C.
Protein change: p.Ile822Thr; replaces isoleucine 822 with threonine.
Molecular consequence: missense variant.
Genome position (GRCh38, 1-based): chr6:112,144,822, A>G on the plus strand (T>C on the coding strand, the complement: LAMA4 is on the minus strand). VCF-style: chr6-112144822-A-G. GRCh37 (hg19) VCF-style: chr6-112466024-A-G.
Other names: c.2444T>C, p.Ile815Thr (NM_001105207.3, NM_002290.5); c.2444T>C (NM_002290.3); short protein forms I815T, I822T.
Identifiers: ClinVar variation 1678012 (VCV001678012.9), dbSNP rs369962703, ClinGen allele CA3965476.